The following is an entry in ClinVar:

ClinVar aggregate classification (germline): Likely benign (1 of 4 stars; one submission).

Allele frequency attached by ClinVar (database versions not stated): gnomAD exomes 0.00001; TOPMed 0.00001; ExAC 0.00002; gnomAD 0.00004; 1000 Genomes Project 30x 0.00016; 1000 Genomes Project 0.00020.
gnomAD v4.1: 13 of 1,599,332 alleles (0.00081%); highest among the groups gnomAD compares: African/African-American, 0.008%; no homozygotes.

Submission:

CeGaT Center for Human Genetics Tuebingen
Classification: Likely benign. Last evaluated: 2022-11-01. Review status: criteria provided, single submitter. Criteria: CeGaT Center For Human Genetics Tuebingen Variant Classification Criteria Version 2. Collection method: clinical testing. Allele origin: germline. Affected: yes. Observed: 1 variant allele.
Comment: CERT1: BP4, BP7

NM_001379029.1(CERT1):c.-52C>T

Genes: CERT1 (ceramide transporter 1; minus strand), POLK (DNA polymerase kappa; plus strand). Cytogenetic location: 5q13.3.
Variant type: single nucleotide variant.
Coding change: c.-52C>T on transcript NM_001379029.1 (MANE Select); 52 bases upstream of the start codon, C replaced by T.
Molecular consequence: 5 prime UTR variant. On other transcripts: synonymous variant (1).
Genome position (GRCh38, 1-based): chr5:75,511,259, G>A on the plus strand (C>T on the coding strand, the complement: CERT1 is on the minus strand). VCF-style: chr5-75511259-G-A. GRCh37 (hg19) VCF-style: chr5-74807084-G-A.
Other names: c.333C>T, p.Ser111= (NM_001130105.1); c.-52C>T (NM_001379002.1, NM_001379003.1, NM_001379004.1 and 2 more transcripts).
Identifiers: ClinVar variation 2655541 (VCV002655541.24), dbSNP rs531391851, ClinGen allele CA3309397.